The following is an entry in ClinVar:

NM_002137.4(HNRNPA2B1):c.243A>G (p.Pro81=)

Gene: HNRNPA2B1 (heterogeneous nuclear ribonucleoprotein A2/B1; minus strand). Cytogenetic location: 7p15.2.
Variant type: single nucleotide variant.
Coding change: c.243A>G on transcript NM_002137.4 (MANE Select); coding-DNA position 243, A replaced by G.
Protein change: p.Pro81=; no amino-acid change (proline 81 retained).
Molecular consequence: synonymous variant.
Genome position (GRCh38, 1-based): chr7:26,197,336, T>C on the plus strand (A>G on the coding strand, the complement: HNRNPA2B1 is on the minus strand). VCF-style: chr7-26197336-T-C. GRCh37 (hg19) VCF-style: chr7-26236956-T-C.
Other names: c.279A>G, p.Pro93= (NM_031243.4).
Identifiers: ClinVar variation 704997 (VCV000704997.14), dbSNP rs143134057, ClinGen allele CA4194738.

ClinVar aggregate classification (germline): Benign/Likely benign. Review status: criteria provided, multiple submitters, no conflicts (2 of 4 stars). 3 submissions from 3 submitters: Benign (1); Likely benign (1). 1 of the submissions does not count toward it. Last evaluated 2026-07-01.

Conditions:
HNRNPA2B1-related disorder. Also called: HNRNPA2B1-related condition.
Inclusion body myopathy with early-onset Paget disease with or without frontotemporal dementia 2 (IBMPFD2). Also called: MULTISYSTEM PROTEINOPATHY 2. Identifiers: MedGen C3809468, MONDO:0014178, OMIM 615422.

Allele frequency attached by ClinVar (database versions not stated): gnomAD exomes 0.00007 and 0.00014; ExAC 0.00019; 1000 Genomes Project 0.00040; gnomAD 0.00042 and 0.00043; 1000 Genomes Project 30x 0.00047; TOPMed 0.00049; ESP Exome Variant Server 0.00069.
gnomAD v4.1: 162 of 1,613,116 alleles (0.01%); highest among the groups gnomAD compares: African/African-American, 0.16%; no homozygotes.

Submissions (3):

CeGaT Center for Human Genetics Tuebingen
Classification: Likely benign. Last evaluated: 2026-07-01. Review status: criteria provided, single submitter. Criteria: CeGaT Center For Human Genetics Tuebingen Variant Classification Criteria Version 2. Collection method: clinical testing. Allele origin: germline. Affected: yes. Observed: 1 variant allele.
Comment: HNRNPA2B1: BP4, BP7

Labcorp Genetics (formerly Invitae), Labcorp
Classification: Benign for Inclusion body myopathy with early-onset Paget disease with or without frontotemporal dementia 2. Last evaluated: 2026-01-16. Review status: criteria provided, single submitter. Criteria: Invitae Variant Classification Sherloc (09022015). Collection method: clinical testing. Allele origin: germline.

PreventionGenetics, part of Exact Sciences
Classification: Likely benign for HNRNPA2B1-related condition. Last evaluated: 2023-12-19. Review status: no assertion criteria provided. Collection method: clinical testing. Allele origin: germline. Not counted in ClinVar's aggregate classification.
Comment: This variant is classified as likely benign based on ACMG/AMP sequence variant interpretation guidelines (Richards et al. 2015 PMID: 25741868, with internal and published modifications).